The following is an entry in ClinVar:

NM_005159.4(ACTC1):c.*1682A>G

Genes: ACTC1 (actin alpha cardiac muscle 1; minus strand), GJD2-DT (GJD2 divergent transcript; plus strand). Cytogenetic location: 15q14.
Variant type: single nucleotide variant.
Coding change: c.*1682A>G on transcript NM_005159.4; 1682 bases downstream of the stop codon, A replaced by G.
Genome position (GRCh38, 1-based): chr15:34,788,730, T>C on the plus strand (A>G on the coding strand, the complement: ACTC1 is on the minus strand). VCF-style: chr15-34788730-T-C. GRCh37 (hg19) VCF-style: chr15-35080931-T-C.
Identifiers: ClinVar variation 315653 (VCV000315653.11), dbSNP rs533021, ClinGen allele CA10645712.

ClinVar aggregate classification (germline): Benign. Review status: criteria provided, multiple submitters, no conflicts (2 of 4 stars). 4 submissions from 3 submitters: Benign (4). Last evaluated 2019-06-14.

Conditions:
Dilated cardiomyopathy 1R (CMD1R). Identifiers: Orphanet 154, Orphanet 54260, MedGen C3150681, MONDO:0013261, OMIM 613424.
Hypertrophic cardiomyopathy 11. Also called: ACTC1-Related Familial Hypertrophic Cardiomyopathy. Identifiers: MedGen C2677506, MONDO:0012799, OMIM 612098.

Allele frequency attached by ClinVar (database versions not stated): gnomAD 0.55143 and 0.54964; 1000 Genomes Project 30x 0.44597; 1000 Genomes Project 0.45367; TOPMed 0.52690.

Submissions (4):

GeneDx
Classification: Benign. Last evaluated: 2019-06-14. Review status: criteria provided, single submitter. Criteria: GeneDx Variant Classification Process June 2021. Collection method: clinical testing. Allele origin: germline. Affected: yes.

Illumina Laboratory Services, Illumina
Classification: Benign for Hypertrophic cardiomyopathy 11. Last evaluated: 2018-01-13. Review status: criteria provided, single submitter. Criteria: ICSL Variant Classification Criteria 13 December 2019. Collection method: clinical testing. Allele origin: germline.
Comment: This variant was observed in the ICSL laboratory as part of a predisposition screen in an ostensibly healthy population. It had not been previously curated by ICSL or reported in the Human Gene Mutation Database (HGMD: prior to June 1st, 2018), and was therefore a candidate for classification through an automated scoring system. Utilizing variant allele frequency, disease prevalence and penetrance estimates, and inheritance mode, an automated score was calculated to assess if this variant is too frequent to cause the disease. Based on the score and internal cut-off values, a variant classified as benign is not then subjected to further curation. The score for this variant resulted in a classification of benign for this disease.

Illumina Laboratory Services, Illumina
Classification: Benign for Dilated cardiomyopathy 1R. Last evaluated: 2018-01-13. Review status: criteria provided, single submitter. Criteria: ICSL Variant Classification Criteria 13 December 2019. Collection method: clinical testing. Allele origin: germline.
Comment: the same text as in the submission from Illumina Laboratory Services, Illumina above.

Breakthrough Genomics
Classification: Benign. Review status: criteria provided, single submitter. Criteria: ACMG Guidelines, 2015. Collection method: not provided. Allele origin: germline. Inheritance: Autosomal dominant inheritance. Affected: yes.